The following is an entry in ClinVar:

NM_002470.4(MYH3):c.2421G>C (p.Gln807His)

Gene: MYH3 (myosin heavy chain 3; minus strand). Cytogenetic location: 17p13.1.
Variant type: single nucleotide variant.
Coding change: c.2421G>C on transcript NM_002470.4 (MANE Select); coding-DNA position 2421, G replaced by C.
Protein change: p.Gln807His; replaces glutamine 807 with histidine.
Molecular consequence: missense variant.
Genome position (GRCh38, 1-based): chr17:10,640,338, C>G on the plus strand (G>C on the coding strand, the complement: MYH3 is on the minus strand). VCF-style: chr17-10640338-C-G. GRCh37 (hg19) VCF-style: chr17-10543655-C-G.
Other names: short protein forms Q807H.
Identifiers: ClinVar variation 2015058 (VCV002015058.4), dbSNP rs2508602024, ClinGen allele CA398163663.

ClinVar aggregate classification (germline): Uncertain significance (1 of 4 stars; one submission).

Submission:

Labcorp Genetics (formerly Invitae), Labcorp
Classification: Uncertain significance. Last evaluated: 2022-08-11. Review status: criteria provided, single submitter. Criteria: Invitae Variant Classification Sherloc (09022015). Collection method: clinical testing. Allele origin: germline.
Comment: In summary, the available evidence is currently insufficient to determine the role of this variant in disease. Therefore, it has been classified as a Variant of Uncertain Significance. Algorithms developed to predict the effect of missense changes on protein structure and function are either unavailable or do not agree on the potential impact of this missense change (SIFT: "Deleterious"; PolyPhen-2: "Benign"; Align-GVGD: "Class C15"). This variant has not been reported in the literature in individuals affected with MYH3-related conditions. This variant is not present in population databases (gnomAD no frequency). This sequence change replaces glutamine, which is neutral and polar, with histidine, which is basic and polar, at codon 807 of the MYH3 protein (p.Gln807His).